The following is an entry in ClinVar:

ClinVar aggregate classification (germline): Pathogenic (1 of 4 stars; one submission).

Conditions:
Combined oxidative phosphorylation defect type 17. Also called: Combined oxidative phosphorylation deficiency 17. Identifiers: Orphanet 369913, MedGen C3809526, MONDO:0014190, OMIM 615440.

Submission:

Labcorp Genetics (formerly Invitae), Labcorp
Classification: Pathogenic for Combined oxidative phosphorylation defect type 17. Last evaluated: 2024-11-18. Review status: criteria provided, single submitter. Criteria: Invitae Variant Classification Sherloc (09022015). Collection method: clinical testing. Allele origin: germline.
Comment: This sequence change creates a premature translational stop signal (p.Glu290Aspfs*4) in the ELAC2 gene. It is expected to result in an absent or disrupted protein product. Loss-of-function variants in ELAC2 are known to be pathogenic (PMID: 27769300, 31045291). This variant is not present in population databases (gnomAD no frequency). This variant has not been reported in the literature in individuals affected with ELAC2-related conditions. Algorithms developed to predict the effect of sequence changes on RNA splicing suggest that this variant may disrupt the consensus splice site. For these reasons, this variant has been classified as Pathogenic.

Literature cited by the submitters: PubMed 27769300; PubMed 31045291.

NM_018127.7(ELAC2):c.865_866AG[2] (p.Glu290fs)

Gene: ELAC2 (elaC ribonuclease Z 2; minus strand). Cytogenetic location: 17p12.
Variant type: Microsatellite.
Coding change: c.865_866AG[2] on transcript NM_018127.7 (MANE Select).
Protein change: p.Glu290fs; shifts the reading frame from glutamic acid 290.
Molecular consequence: frameshift variant.
Genome position: GRCh38 VCF-style: chr17-13005752-CCT-C. GRCh37 (hg19) VCF-style: chr17-12909069-CCT-C.
Other names: c.745_746AG[2], p.Glu250fs (NM_001165962.2); c.865_866AG[2], p.Glu290fs (NM_173717.2); short protein forms E250fs, E290fs.
Identifiers: ClinVar variation 2721694 (VCV002721694.3), dbSNP rs2041065623, ClinGen allele CA981609630.